The following is an entry in ClinVar:

NM_002496.4(NDUFS8):c.505C>T (p.Pro169Ser)

Gene: NDUFS8 (NADH:ubiquinone oxidoreductase core subunit S8; plus strand). Cytogenetic location: 11q13.2.
Variant type: single nucleotide variant.
Coding change: c.505C>T on transcript NM_002496.4 (MANE Select); coding-DNA position 505, C replaced by T.
Protein change: p.Pro169Ser; replaces proline 169 with serine.
Molecular consequence: missense variant.
Genome position (GRCh38, 1-based): chr11:68,036,465, C>T. VCF-style: chr11-68036465-C-T. GRCh37 (hg19) VCF-style: chr11-67803932-C-T.
Other names: short protein forms P169S.
Identifiers: ClinVar variation 4088112 (VCV004088112.2).
Genomic context (GRCh38, chr11:68,036,465, plus strand): 5'-GGGGGCCTGAGGCTCCTCAGCAGGGCCTAACCACCGTCCCTGCACCTCAACCTGCAGGGC[C>T]CCAACTTTGAGTTCTCCACGGAGACCCATGAGGAGCTGCTGTACAACAAGGAGAAGTTGC-3'
Protein context (NP_002487.1, residues 159-179): ACPVDAIVEG[Pro169Ser]NFEFSTETHE

ClinVar aggregate classification (germline): Uncertain significance (1 of 4 stars; one submission).

gnomAD v4.1: 18 of 1,614,038 alleles (0.0011%); highest among the groups gnomAD compares: Non-Finnish European, 0.0014%; no homozygotes.

Submission:

GeneDx
Classification: Uncertain significance. Last evaluated: 2026-02-25. Review status: criteria provided, single submitter. Criteria: GeneDx Variant Classification Process June 2021. Collection method: clinical testing. Allele origin: germline.
Comment: Not observed at significant frequency in large population cohorts (gnomAD); In silico analysis supports that this missense variant has a deleterious effect on protein structure/function; Has not been previously published as pathogenic or benign to our knowledge